The following is an entry in ClinVar:

ClinVar aggregate classification (germline): Uncertain significance (1 of 4 stars; one submission).

Conditions:
Wilson disease (WND). Also called: Wilson's disease. Identifiers: Orphanet 905, MedGen C0019202, MONDO:0010200, OMIM 277900. Disease mechanism: loss of function.

Submission:

All of Us Research Program, National Institutes of Health
Classification: Uncertain significance for Wilson disease. Last evaluated: 2024-07-10. Review status: criteria provided, single submitter. Criteria: ACMG Guidelines, 2015. Collection method: clinical testing. Allele origin: germline. Inheritance: Autosomal recessive inheritance. Observed: 1 variant allele, 1 heterozygote.
Comment: This missense variant replaces glutamine with arginine at codon 493 of the ATP7B protein. Computational prediction suggests that this variant may not impact protein structure and function (internally defined REVEL score threshold <= 0.5, PMID: 27666373). To our knowledge, functional studies have not been reported for this variant. This variant has not been reported in individuals affected with ATP7B-related disorders in the literature. This variant has not been identified in the general population by the Genome Aggregation Database (gnomAD). The available evidence is insufficient to determine the role of this variant in disease conclusively. Therefore, this variant is classified as a Variant of Uncertain Significance.

This study involves interpretation of variants in research participants for the purpose of population health screening. Participant phenotype was not available at the time of variant classification. Additional details can be found in publication PMID: 35346344, PMCID: PMC8962531

NM_000053.4(ATP7B):c.1478A>G (p.Gln493Arg)

Gene: ATP7B (ATPase copper transporting beta; minus strand). Cytogenetic location: 13q14.3.
Variant type: single nucleotide variant.
Coding change: c.1478A>G on transcript NM_000053.4 (MANE Select); coding-DNA position 1478, A replaced by G.
Protein change: p.Gln493Arg; replaces glutamine 493 with arginine.
Molecular consequence: missense variant. On other transcripts: intron variant (1).
Genome position (GRCh38, 1-based): chr13:51,970,557, T>C on the plus strand (A>G on the coding strand, the complement: ATP7B is on the minus strand). VCF-style: chr13-51970557-T-C. GRCh37 (hg19) VCF-style: chr13-52544693-T-C.
Other names: c.1478A>G, p.Gln493Arg (NM_001406534.1, NM_001406535.1, NM_001406537.1 and 28 more transcripts); c.1382A>G, p.Gln461Arg (NM_001406536.1, NM_001406543.1, NM_001406544.1 and 3 more transcripts); c.1049A>G, p.Gln350Arg (NM_001406539.1); c.1285+3378A>G (NM_001406548.1); c.1145A>G, p.Gln382Arg (NM_001243182.2); short protein forms Q350R, Q382R, Q461R, Q493R.
Identifiers: ClinVar variation 3385638 (VCV003385638.1).